The following is an entry in ClinVar:

ClinVar aggregate classification (germline): Uncertain significance (1 of 4 stars; one submission).

Conditions:
Renal carnitine transport defect (CDSP). Also called: CARNITINE DEFICIENCY, SYSTEMIC, DUE TO DEFECT IN RENAL REABSORPTION OF CARNITINE; CARNITINE TRANSPORTER, PLASMA-MEMBRANE, DEFICIENCY OF; CARNITINE UPTAKE DEFECT; Systemic primary carnitine deficiency; Carnitine transporter deficiency; Carnitine Deficiency, Systemic. Identifiers: Orphanet 158, MedGen C0342788, MONDO:0008919, OMIM 212140.

Submission:

Labcorp Genetics (formerly Invitae), Labcorp
Classification: Uncertain significance for Renal carnitine transport defect. Last evaluated: 2025-05-12. Review status: criteria provided, single submitter. Criteria: Invitae Variant Classification Sherloc (09022015). Collection method: clinical testing. Allele origin: germline.
Comment: This sequence change replaces glycine, which is neutral and non-polar, with aspartic acid, which is acidic and polar, at codon 12 of the SLC22A5 protein (p.Gly12Asp). Information on the frequency of this variant in the gnomAD database is not available, as this variant may be reported differently in the database. This variant has not been reported in the literature in individuals affected with SLC22A5-related conditions. ClinVar contains an entry for this variant (Variation ID: 2955851). An algorithm developed to predict the effect of missense changes on protein structure and function (PolyPhen-2) suggests that this variant is likely to be disruptive. This variant disrupts the p.Gly12 amino acid residue in SLC22A5. Other variant(s) that disrupt this residue have been determined to be pathogenic (PMID: 20574985, 28841266; internal data). This suggests that this residue is clinically significant, and that variants that disrupt this residue are likely to be disease-causing. In summary, the available evidence is currently insufficient to determine the role of this variant in disease. Therefore, it has been classified as a Variant of Uncertain Significance.

Literature cited by the submitters: PubMed 20574985; PubMed 28841266.

NM_003060.4(SLC22A5):c.35_36delinsAT (p.Gly12Asp)

Gene: SLC22A5 (solute carrier family 22 member 5; plus strand). Cytogenetic location: 5q31.1.
Variant type: Indel.
Coding change: c.35_36delinsAT on transcript NM_003060.4 (MANE Select); coding-DNA positions 35 to 36, GC replaced by AT.
Protein change: p.Gly12Asp; replaces glycine 12 with aspartic acid.
Molecular consequence: missense variant.
Genome position (GRCh38, 1-based): chr5:132,370,007-132,370,008, GC replaced by AT. VCF-style: chr5-132370007-GC-AT. GRCh37 (hg19) VCF-style: chr5-131705699-GC-AT.
Other names: c.35_36delinsAT, p.Gly12Asp (NM_001308122.2); short protein forms G12D.
Identifiers: ClinVar variation 2955851 (VCV002955851.3), dbSNP rs2532087849, ClinGen allele CA2740094075.